The following is an entry in ClinVar:

NM_002830.4(PTPN4):c.2642T>C (p.Leu881Pro)

Gene: PTPN4 (protein tyrosine phosphatase non-receptor type 4; plus strand). Cytogenetic location: 2q14.2.
Variant type: single nucleotide variant.
Coding change: c.2642T>C on transcript NM_002830.4 (MANE Select); coding-DNA position 2642, T replaced by C.
Protein change: p.Leu881Pro; replaces leucine 881 with proline.
Molecular consequence: missense variant.
Genome position (GRCh38, 1-based): chr2:119,967,920, T>C. VCF-style: chr2-119967920-T-C. GRCh37 (hg19) VCF-style: chr2-120725496-T-C.
Other names: short protein forms L881P.
Identifiers: ClinVar variation 4840407 (VCV004840407.1).
Genomic context (GRCh38, chr2:119,967,920, plus strand): 5'-TTCTTATTACTATGGAAACAGCCATGTGTCTCATTGAATGCAATCAGCCAGTTTATCCAC[T>C]AGATATTGTAAGAACAATGAGAGATCAGCGAGCCATGATGATCCAAACACCTGTGAGTAC-3'
Protein context (NP_002821.1, residues 871-891): LIECNQPVYP[Leu881Pro]DIVRTMRDQR

ClinVar aggregate classification (germline): Uncertain significance (1 of 4 stars; one submission).

Conditions:
Inborn genetic diseases. Identifiers: MedGen C0950123, MeSH D030342.

gnomAD v4.1: 2 of 1,610,824 alleles (0.00012%); highest among the groups gnomAD compares: Non-Finnish European, 0.000085%; no homozygotes.

Submission:

Ambry Genetics
Classification: Uncertain significance for Inborn genetic diseases. Last evaluated: 2026-02-24. Review status: criteria provided, single submitter. Criteria: Ambry Variant Classification Scheme 2023. Collection method: clinical testing. Allele origin: germline.
Comment: The c.2642T>C (p.L881P) alteration is located in exon 26 (coding exon 25) of the PTPN4 gene. This alteration results from a T to C substitution at nucleotide position 2642, causing the leucine (L) at amino acid position 881 to be replaced by a proline (P). Based on data from gnomAD, the C allele has an overall frequency of 0.003% (1/31402) total alleles studied. The highest observed frequency was 0.007% (1/15430) of European (non-Finnish) alleles. Based on insufficient or conflicting evidence, the clinical significance of this alteration remains unclear.